The following is an entry in ClinVar:

NM_025114.4(CEP290):c.1232C>G (p.Ser411Ter)

Gene: CEP290 (centrosomal protein 290; minus strand). Cytogenetic location: 12q21.32.
Variant type: single nucleotide variant.
Coding change: c.1232C>G on transcript NM_025114.4 (MANE Select); coding-DNA position 1232, C replaced by G.
Protein change: p.Ser411Ter; replaces serine 411 with a stop codon.
Molecular consequence: nonsense.
Genome position (GRCh38, 1-based): chr12:88,121,124, G>C on the plus strand (C>G on the coding strand, the complement: CEP290 is on the minus strand). VCF-style: chr12-88121124-G-C. GRCh37 (hg19) VCF-style: chr12-88514901-G-C.
Other names: short protein forms S411*.
Identifiers: ClinVar variation 2941820 (VCV002941820.3), dbSNP rs2501098066, ClinGen allele CA385980788.
Genomic context (GRCh38, chr12:88,121,124, plus strand): 5'-TCAGCCAGTTCAGCTGTTCTCTCAGCCTCTTTAGTTTTCTCTTTTAAAATGTCTAACGTT[G>C]ACTGAATTTTCATATGAGTCTGTTGAGAAAGGGTTGAAGCACCTACAGAGTAAAAACAAA-3'

ClinVar aggregate classification (germline): Pathogenic (1 of 4 stars; one submission).

Conditions:
Joubert syndrome. Also called: CEREBELLOPARENCHYMAL DISORDER IV; JOUBERT-BOLTSHAUSER SYNDROME; Familial aplasia of the vermis. Identifiers: Orphanet 475, MedGen C5979921, MONDO:0018772.
Nephronophthisis. Also called: Juvenile Nephronophthisis. Identifiers: Orphanet 655, MedGen C0687120, MONDO:0019005, HP:0000090.
Meckel-Gruber syndrome. Also called: DYSENCEPHALIA SPLANCHNOCYSTICA; GRUBER SYNDROME; Dysencephalia splachnocystica. Identifiers: Orphanet 564, MedGen C0265215, MONDO:0018921.

Submission:

Labcorp Genetics (formerly Invitae), Labcorp
Classification: Pathogenic for Joubert syndrome; Meckel-Gruber syndrome; Nephronophthisis. Last evaluated: 2023-02-10. Review status: criteria provided, single submitter. Criteria: Invitae Variant Classification Sherloc (09022015). Collection method: clinical testing. Allele origin: germline.
Comment: For these reasons, this variant has been classified as Pathogenic. This variant has not been reported in the literature in individuals affected with CEP290-related conditions. This variant is not present in population databases (gnomAD no frequency). This sequence change creates a premature translational stop signal (p.Ser411*) in the CEP290 gene. It is expected to result in an absent or disrupted protein product. Loss-of-function variants in CEP290 are known to be pathogenic (PMID: 16909394, 17345604, 20690115).

Literature cited by the submitters: PubMed 16909394; PubMed 17345604; PubMed 20690115.